The following is an entry in ClinVar:

ClinVar aggregate classification (germline): Likely pathogenic (1 of 4 stars; one submission).

Conditions:
Hereditary cancer-predisposing syndrome. Also called: Hereditary neoplastic syndrome; Neoplastic Syndromes, Hereditary; Tumor predisposition; Hereditary Cancer Syndrome. Identifiers: Orphanet 140162, MedGen C0027672, MeSH D009386, MONDO:0015356.

Submission:

Ambry Genetics
Classification: Likely pathogenic for Hereditary cancer-predisposing syndrome. Last evaluated: 2025-01-29. Review status: criteria provided, single submitter. Criteria: Ambry Variant Classification Scheme 2023. Collection method: clinical testing. Allele origin: germline.
Comment: The c.739-1G>T intronic variant results from a G to T substitution one nucleotide upstream from coding exon 6 of the FH gene. Alterations that disrupt the canonical splice site are expected to cause aberrant splicing, resulting in an abnormal protein or a transcript that is subject to nonsense-mediated mRNA decay. This nucleotide position is highly conserved in available vertebrate species. In silico splice site analysis predicts that this alteration will weaken the native splice acceptor site and will result in the creation or strengthening of a novel splice acceptor site. RNA studies have demonstrated that this alteration results in abnormal splicing in the set of samples tested (Ambry internal data). Based on the majority of available evidence to date, this variant is likely to be pathogenic.

NM_000143.4(FH):c.739-1G>T

Gene: FH (fumarate hydratase; minus strand). Cytogenetic location: 1q43.
Variant type: single nucleotide variant.
Coding change: c.739-1G>T on transcript NM_000143.4 (MANE Select); the canonical splice acceptor site of the intron before coding-DNA position 739, G replaced by T.
Molecular consequence: splice acceptor variant.
Genome position (GRCh38, 1-based): chr1:241,506,169, C>A on the plus strand (G>T on the coding strand, the complement: FH is on the minus strand). VCF-style: chr1-241506169-C-A. GRCh37 (hg19) VCF-style: chr1-241669469-C-A.
Identifiers: ClinVar variation 3850229 (VCV003850229.1).
Genomic context (GRCh38, chr1:241,506,169, plus strand): 5'-CATGGCAGCTTTTATTCTTGTCATTGCATATTTTACTTGTTGAACATAACCACTAAATTC[C>A]TGAAAAGAAAAGAAAATTAAGGTAAGAATAAGTAATTCCTAATAGCTTACAAGTTACTCT-3'